The following is an entry in ClinVar:

NM_015450.3(POT1):c.1692A>C (p.Lys564Asn)

Gene: POT1 (protection of telomeres 1; minus strand). Cytogenetic location: 7q31.33.
Variant type: single nucleotide variant.
Coding change: c.1692A>C on transcript NM_015450.3 (MANE Select); coding-DNA position 1692, A replaced by C.
Protein change: p.Lys564Asn; replaces lysine 564 with asparagine.
Molecular consequence: missense variant. On other transcripts: non-coding transcript variant (3).
Genome position (GRCh38, 1-based): chr7:124,825,352, T>G on the plus strand (A>C on the coding strand, the complement: POT1 is on the minus strand). VCF-style: chr7-124825352-T-G. GRCh37 (hg19) VCF-style: chr7-124465406-T-G.
Other names: c.1299A>C, p.Lys433Asn (NM_001042594.2); short protein forms K433N, K564N.
Identifiers: ClinVar variation 2861463 (VCV002861463.3), dbSNP rs2485338721, ClinGen allele CA369062589.

ClinVar aggregate classification (germline): Uncertain significance (1 of 4 stars; one submission).

Conditions:
Tumor predisposition syndrome 3 (TPDS3). Also called: LONG TELOMERE SYNDROME, POT1-RELATED; POT1 Tumor Predisposition; Melanoma, cutaneous malignant, susceptibility to, 10; Glioma susceptibility 9. Identifiers: Orphanet 618, MedGen C4014476, MONDO:0014368, OMIM 615848.

Submission:

Labcorp Genetics (formerly Invitae), Labcorp
Classification: Uncertain significance for Tumor predisposition syndrome 3. Last evaluated: 2023-08-06. Review status: criteria provided, single submitter. Criteria: Invitae Variant Classification Sherloc (09022015). Collection method: clinical testing. Allele origin: germline.
Comment: This variant has not been reported in the literature in individuals affected with POT1-related conditions. Advanced modeling of protein sequence and biophysical properties (such as structural, functional, and spatial information, amino acid conservation, physicochemical variation, residue mobility, and thermodynamic stability) performed at Invitae indicates that this missense variant is not expected to disrupt POT1 protein function. In summary, the available evidence is currently insufficient to determine the role of this variant in disease. Therefore, it has been classified as a Variant of Uncertain Significance. This variant is not present in population databases (gnomAD no frequency). This sequence change replaces lysine, which is basic and polar, with asparagine, which is neutral and polar, at codon 564 of the POT1 protein (p.Lys564Asn).